The following is an entry in ClinVar:

NM_000719.7(CACNA1C):c.5680+6T>C

Genes: CACNA1C (calcium voltage-gated channel subunit alpha1 C; plus strand), CACNA1C-AS1 (CACNA1C antisense RNA 1; minus strand). Cytogenetic location: 12p13.33.
Variant type: single nucleotide variant.
Coding change: c.5680+6T>C on transcript NM_000719.7 (MANE Select); 6 bases into the intron after coding-DNA position 5680, T replaced by C.
Molecular consequence: intron variant.
Genome position (GRCh38, 1-based): chr12:2,685,848, T>C. VCF-style: chr12-2685848-T-C. GRCh37 (hg19) VCF-style: chr12-2795014-T-C.
Other names: c.5785+6T>C (NM_001167624.3, NM_001129830.3); c.5680+6T>C (NM_001167623.2, NM_001129840.2, NM_001129842.2 and 2 more transcripts); c.5860+6T>C (NM_001167625.2); c.5929+6T>C (NM_199460.4); c.5824+6T>C (NM_001129827.2); c.5740+6T>C (NM_001129832.2); c.5764+6T>C (NM_001129831.2); c.5737+6T>C (NM_001129833.2, NM_001129834.2, NM_001129835.2); and 6 more.
Identifiers: ClinVar variation 946001 (VCV000946001.8), dbSNP rs1175926900, ClinGen allele CA686844299.

ClinVar aggregate classification (germline): Uncertain significance (1 of 4 stars; one submission).

Conditions:
Long QT syndrome (LQTS). Identifiers: MedGen C0023976, MeSH D008133, MONDO:0002442. Disease mechanism: loss of function. Inheritance: Various modes of inheritance.

Allele frequency attached by ClinVar (database versions not stated): TOPMed below 0.00001; gnomAD 0.00001.
gnomAD v4.1: 1 of 1,596,440 alleles (0.000063%); highest among the groups gnomAD compares: African/African-American, 0.0013%; no homozygotes.

Submission:

Labcorp Genetics (formerly Invitae), Labcorp
Classification: Uncertain significance for Long QT syndrome. Last evaluated: 2025-06-20. Review status: criteria provided, single submitter. Criteria: Invitae Variant Classification Sherloc (09022015). Collection method: clinical testing. Allele origin: germline.
Comment: This sequence change falls in intron 44 of the CACNA1C gene. It does not directly change the encoded amino acid sequence of the CACNA1C protein. It affects a nucleotide within the consensus splice site. This variant is not present in population databases (gnomAD no frequency). This variant has not been reported in the literature in individuals affected with CACNA1C-related conditions. ClinVar contains an entry for this variant (Variation ID: 946001). Variants that disrupt the consensus splice site are a relatively common cause of aberrant splicing (PMID: 17576681, 9536098). Algorithms developed to predict the effect of sequence changes on RNA splicing suggest that this variant is not likely to affect RNA splicing. In summary, the available evidence is currently insufficient to determine the role of this variant in disease. Therefore, it has been classified as a Variant of Uncertain Significance.

Literature cited by the submitters: PubMed 17576681; PubMed 9536098.